The following is an entry in ClinVar:

ClinVar aggregate classification (germline): Uncertain significance (1 of 4 stars; one submission).

gnomAD v4.1: 13 of 1,613,198 alleles (0.00081%); highest among the groups gnomAD compares: South Asian, 0.0011%; no homozygotes.

Submission:

GeneDx
Classification: Uncertain significance. Last evaluated: 2025-08-14. Review status: criteria provided, single submitter. Criteria: GeneDx Variant Classification Process June 2021. Collection method: clinical testing. Allele origin: germline. Affected: yes.
Comment: Not observed at significant frequency in large population cohorts (gnomAD); In silico analysis supports that this missense variant has a deleterious effect on protein structure/function; Has not been previously published as pathogenic or benign to our knowledge

NM_000064.4(C3):c.2089G>A (p.Gly697Ser)

Gene: C3 (complement C3; minus strand). Cytogenetic location: 19p13.3.
Variant type: single nucleotide variant.
Coding change: c.2089G>A on transcript NM_000064.4 (MANE Select); coding-DNA position 2089, G replaced by A.
Protein change: p.Gly697Ser; replaces glycine 697 with serine.
Molecular consequence: missense variant.
Genome position (GRCh38, 1-based): chr19:6,707,232, C>T on the plus strand (G>A on the coding strand, the complement: C3 is on the minus strand). VCF-style: chr19-6707232-C-T. GRCh37 (hg19) VCF-style: chr19-6707243-C-T.
Other names: short protein forms G697S.
Identifiers: ClinVar variation 4795644 (VCV004795644.1).